The following is an entry in ClinVar:

NM_001723.7(DST):c.6067_6078del (p.Tyr2023_His2026del)

Gene: DST (dystonin; minus strand). Cytogenetic location: 6p12.1.
Variant type: Deletion.
Coding change: c.6067_6078del on transcript NM_001723.7 (MANE Plus Clinical); coding-DNA positions 6067 to 6078, 12 bases deleted (TATGATATGCAT).
Protein change: p.Tyr2023_His2026del.
Molecular consequence: inframe deletion. On other transcripts: intron variant (10).
Genome position (GRCh38, 1-based): chr6:56,617,389-56,617,400, ATGCATATCATA deleted on the plus strand (TATGATATGCAT on the coding strand, the reverse complement: DST is on the minus strand). VCF-style (leftmost placement, unchanged base first): chr6-56617388-TATGCATATCATA-T. GRCh37 (hg19) VCF-style: chr6-56482186-TATGCATATCATA-T.
Other names: c.4831-2916_4831-2905del (NM_001144769.5); c.4930-2916_4930-2905del (NM_001374722.1, NM_001374736.1); c.4957-2916_4957-2905del (NM_001374734.1); c.4417-2916_4417-2905del (NM_001144770.2); c.4297-2916_4297-2905del (NM_001374730.1, NM_001386100.1, NM_183380.4 and 1 more transcripts); c.3319-2916_3319-2905del (NM_015548.5).
Identifiers: ClinVar variation 1398184 (VCV001398184.8), dbSNP rs774171052, ClinGen allele CA3870230.

ClinVar aggregate classification (germline): Uncertain significance (1 of 4 stars; one submission).

Conditions:
Hereditary sensory and autonomic neuropathy type 6. Also called: Neuropathy, hereditary sensory and autonomic, type VI; HSAN VI. Identifiers: Orphanet 314381, MedGen C3539003, MONDO:0013839, OMIM 614653.
Epidermolysis bullosa simplex 3, localized or generalized intermediate, with BP230 deficiency (EBS3). Also called: Epidermolysis bullosa simplex due to BP230 deficiency; Epidermolysis bullosa simplex, autosomal recessive 2. Identifiers: Orphanet 412181, MedGen C3809470, MONDO:0014180, OMIM 615425.

Allele frequency attached by ClinVar (database versions not stated): gnomAD exomes below 0.00001; ExAC 0.00001.

Submission:

Labcorp Genetics (formerly Invitae), Labcorp
Classification: Uncertain significance for Epidermolysis bullosa simplex 3, localized or generalized intermediate, with BP230 deficiency; Hereditary sensory and autonomic neuropathy type 6. Last evaluated: 2022-12-02. Review status: criteria provided, single submitter. Criteria: Invitae Variant Classification Sherloc (09022015). Collection method: clinical testing. Allele origin: germline.
Comment: This variant, c.6067_6078del, results in the deletion of 4 amino acid(s) of the DST protein (p.Tyr2023_His2026del), but otherwise preserves the integrity of the reading frame. This variant is present in population databases (rs774171052, gnomAD 0.003%). This variant has not been reported in the literature in individuals affected with DST-related conditions. ClinVar contains an entry for this variant (Variation ID: 1398184). Experimental studies and prediction algorithms are not available or were not evaluated, and the functional significance of this variant is currently unknown. In summary, the available evidence is currently insufficient to determine the role of this variant in disease. Therefore, it has been classified as a Variant of Uncertain Significance.